The following is an entry in ClinVar:

ClinVar aggregate classification (germline): Uncertain significance (1 of 4 stars; one submission).

Conditions:
Cardiovascular phenotype. Identifiers: MedGen CN230736.

Submission:

Ambry Genetics
Classification: Uncertain significance for Cardiovascular phenotype. Last evaluated: 2015-07-07. Review status: criteria provided, single submitter. Criteria: Ambry Variant Classification Scheme 2023. Collection method: clinical testing. Allele origin: germline.
Comment: The p.H1566N variant (also known as c.4696C>A), located in coding exon 18 of the AKAP9 gene, results from a C to A substitution at nucleotide position 4696. The histidine at codon 1566 is replaced by asparagine, an amino acid with similar properties. This variant was not reported in population based cohorts in the following databases: Database of Single Nucleotide Polymorphisms (dbSNP), NHLBI Exome Sequencing Project (ESP), the Exome Aggregation Consortium (ExAC) and 1000 Genomes Project. In the ESP, this variant was not observed in 6502 samples (13004 alleles) with coverage at this position. This amino acid position is not well conserved in available vertebrate species. In addition, this alteration is predicted to be tolerated by in silico analysis. Since supporting evidence for this variant is limited at this time, its clinical significance is unclear.

NM_005751.5(AKAP9):c.4696C>A (p.His1566Asn)

Gene: AKAP9 (A-kinase anchoring protein 9; plus strand). Cytogenetic location: 7q21.2.
Variant type: single nucleotide variant.
Coding change: c.4696C>A on transcript NM_005751.5 (MANE Select); coding-DNA position 4696, C replaced by A.
Protein change: p.His1566Asn; replaces histidine 1566 with asparagine.
Molecular consequence: missense variant.
Genome position (GRCh38, 1-based): chr7:92,040,677, C>A. VCF-style: chr7-92040677-C-A. GRCh37 (hg19) VCF-style: chr7-91669991-C-A.
Other names: c.4696C>A, p.His1566Asn (NM_147185.3); short protein forms H1566N.
Identifiers: ClinVar variation 264084 (VCV000264084.5), dbSNP rs886039037, ClinGen allele CA10587651.